The following is an entry in ClinVar:

NM_138694.4(PKHD1):c.657C>T (p.Gly219=)

Gene: PKHD1 (PKHD1 ciliary IPT domain containing fibrocystin/polyductin; minus strand). Cytogenetic location: 6p12.2.
Variant type: single nucleotide variant.
Coding change: c.657C>T on transcript NM_138694.4 (MANE Select); coding-DNA position 657, C replaced by T.
Protein change: p.Gly219=; no amino-acid change (glycine 219 retained).
Molecular consequence: synonymous variant.
Genome position (GRCh38, 1-based): chr6:52,071,016, G>A on the plus strand (C>T on the coding strand, the complement: PKHD1 is on the minus strand). VCF-style: chr6-52071016-G-A. GRCh37 (hg19) VCF-style: chr6-51935814-G-A.
Other names: NC_000006.11:g.51935814G>A; c.657C>T, p.Gly219= (NM_170724.3).
Identifiers: ClinVar variation 555465 (VCV000555465.6), dbSNP rs189345248, ClinGen allele CA3853834.

ClinVar aggregate classification (germline): Uncertain significance. Review status: criteria provided, multiple submitters, no conflicts (2 of 4 stars). 4 submissions from 4 submitters: Uncertain significance (3). 1 of the submissions does not count toward it. Last evaluated 2026-06-02.

Conditions:
Polycystic kidney disease 4 (PKD4). Also called: Autosomal Recessive Polycystic Kidney Disease – PKHD1; POLYCYSTIC KIDNEY DISEASE 4 WITH OR WITHOUT POLYCYSTIC LIVER DISEASE; PKD3; POLYCYSTIC KIDNEY AND HEPATIC DISEASE 1; POLYCYSTIC KIDNEY DISEASE, INFANTILE, TYPE I. Identifiers: MedGen C4540575, MONDO:0033004, OMIM 263200.

Allele frequency attached by ClinVar (database versions not stated): ExAC 0.00002; gnomAD exomes 0.00001 and 0.00003; TOPMed 0.00003; gnomAD 0.00001.
gnomAD v4.1: 15 of 1,594,332 alleles (0.00094%); highest among the groups gnomAD compares: Admixed American, 0.005%; no homozygotes.

Submissions (5):

Women's Health and Genetics/Laboratory Corporation of America, LabCorp
Classification: Uncertain significance. Last evaluated: 2026-06-02. Review status: criteria provided, single submitter. Criteria: LabCorp Variant Classification Summary - May 2015. Collection method: clinical testing. Allele origin: germline.
Comment: Variant summary: PKHD1 c.657C>T alters a conserved nucleotide resulting in a synonymous change. Several computational tools predict a significant impact on normal splicing: Three predict the variant creates/strengthens a cryptic 5' donor site, while two predict the variant has no significant impact on splicing. However, these predictions have yet to be confirmed by functional studies. The variant allele was found at a frequency of 3.2e-05 in 250874 control chromosomes. The available data on variant occurrences in the general population are insufficient to allow any conclusion about variant significance. c.657C>T has been observed in an individual affected with Polycystic Kidney And Hepatic Disease who had other variants in cis and in trans (Rossetti_2003). This report does not provide unequivocal conclusions about association of the variant with disease. To our knowledge, no experimental evidence demonstrating an impact on protein function has been reported. The following publication has been ascertained in the context of this evaluation (PMID: 12846734). ClinVar contains an entry for this variant (Variation ID: 555465). Based on the evidence outlined above, the variant was classified as uncertain significance.

GeneDx
Classification: Uncertain significance. Last evaluated: 2025-07-01. Review status: criteria provided, single submitter. Criteria: GeneDx Variant Classification Process June 2021. Collection method: clinical testing. Allele origin: germline. Affected: yes.
Comment: Identified as maternally inherited in an individual with echogenic kidneys. This patient also had an additional PKHD1 variants in cis and in trans (PMID: 12846734); Not observed at significant frequency in large population cohorts (gnomAD); In silico analysis is inconclusive as to whether the variant alters gene splicing. In the absence of RNA/functional studies, the actual effect of this sequence change is unknown.; This variant is associated with the following publications: (PMID: 15805161, 12846734)

Fulgent Genetics
Classification: Uncertain significance for Polycystic kidney disease 4. Last evaluated: 2022-01-04. Review status: criteria provided, single submitter. Criteria: ACMG Guidelines, 2015. Collection method: clinical testing. Allele origin: unknown.

Counsyl
Classification: Uncertain significance for Polycystic kidney disease 4. Last evaluated: 2017-12-07. Review status: no assertion criteria provided. Collection method: clinical testing. Allele origin: unknown. Not counted in ClinVar's aggregate classification.

Dr. Peter K. Rogan Lab, Western University
No classification provided (evidence only). Condition: Malignant tumor of esophagus. Review status: no classification provided. Collection method: in vitro. Allele origin: not applicable. Functional consequence: retained intron. Not counted in ClinVar's aggregate classification.

Literature cited by the submitters: PubMed 12846734 (cited by Women's Health and Genetics/Laboratory Corporation of America, LabCorp and Counsyl).